The following is an entry in ClinVar:

ClinVar aggregate classification (germline): Uncertain significance. Review status: criteria provided, multiple submitters, no conflicts (2 of 4 stars). 4 submissions from 4 submitters: Uncertain significance (4). Last evaluated 2025-09-30.

Conditions:
Familial cancer of breast. Also called: BREAST CANCER, FAMILIAL; Hereditary breast cancer; hereditary breast carcinoma. Identifiers: Orphanet 227535, MedGen C0346153, MONDO:0016419, OMIM 114480. Disease mechanism: loss of function.
Hereditary cancer-predisposing syndrome. Also called: Neoplastic Syndromes, Hereditary; Tumor predisposition; Hereditary neoplastic syndrome; Hereditary Cancer Syndrome. Identifiers: Orphanet 140162, MedGen C0027672, MeSH D009386, MONDO:0015356.

Submissions (4):

Ambry Genetics
Classification: Uncertain significance for Hereditary cancer-predisposing syndrome. Last evaluated: 2025-09-30. Review status: criteria provided, single submitter. Criteria: Ambry Variant Classification Scheme 2023. Collection method: clinical testing. Allele origin: germline.
Comment: The c.2333G>C variant (also known as p.*778Sext*10), located in coding exon 11 of the BARD1 gene, results from a G to C substitution at nucleotide position 2333. This alteration disrupts the stop codon and is predicted to preserve the native sequence while resulting in the elongation of the protein by 10amino acids. The exact functional effect of the additional amino acids is unknown. Based on the available evidence, the clinical significance of this variant remains unclear.

Labcorp Genetics (formerly Invitae), Labcorp
Classification: Uncertain significance for Familial cancer of breast. Last evaluated: 2025-09-22. Review status: criteria provided, single submitter. Criteria: Invitae Variant Classification Sherloc (09022015). Collection method: clinical testing. Allele origin: germline.
Comment: This sequence change disrupts the translational stop signal of the BARD1 mRNA. It is expected to extend the length of the BARD1 protein by 10 additional amino acid residues. This variant is not present in population databases (gnomAD no frequency). This variant has not been reported in the literature in individuals affected with BARD1-related conditions. ClinVar contains an entry for this variant (Variation ID: 628819). In summary, the available evidence is currently insufficient to determine the role of this variant in disease. Therefore, it has been classified as a Variant of Uncertain Significance.

KCCC/NGS Laboratory, Kuwait Cancer Control Center
Classification: Uncertain significance for Familial cancer of breast. Last evaluated: 2023-09-13. Review status: criteria provided, single submitter. Criteria: ACMG Guidelines, 2015. Collection method: clinical testing. Allele origin: germline. Inheritance: Autosomal dominant inheritance. Affected: yes. Observed: 1 heterozygote.
Comment: This sequence change disrupts the translational stop signal of the BARD1 mRNA. It is expected to extend the length of the BARD1 protein by 10 additional amino acid residues. This variant is not present in population databases (gnomAD no frequency). The exact functional effect of the additional amino acids is unknown. This variant has not been reported in the literature in individuals affected with BARD1-related conditions. ClinVar contains an entry for this variant (Variation ID: 628819) classified as uncertain significant . In summary, the available evidence is currently insufficient to determine the role of this variant in disease. Therefore, it has been classified as a Variant of Uncertain Significance.

Color Diagnostics, LLC DBA Color Health
Classification: Uncertain significance for Hereditary cancer-predisposing syndrome. Last evaluated: 2019-04-01. Review status: criteria provided, single submitter. Criteria: ACMG Guidelines, 2015. Collection method: clinical testing. Allele origin: germline.

NM_000465.4(BARD1):c.2333G>C (p.Ter778Ser)

Gene: BARD1 (BRCA1 associated RING domain 1; minus strand). Cytogenetic location: 2q35.
Variant type: single nucleotide variant.
Coding change: c.2333G>C on transcript NM_000465.4 (MANE Select); coding-DNA position 2333, G replaced by C.
Protein change: p.Ter778Ser.
Molecular consequence: stop lost. On other transcripts: non-coding transcript variant (3).
Genome position (GRCh38, 1-based): chr2:214,728,677, C>G on the plus strand (G>C on the coding strand, the complement: BARD1 is on the minus strand). VCF-style: chr2-214728677-C-G. GRCh37 (hg19) VCF-style: chr2-215593401-C-G.
Other names: *778S; *265S; *327S; *308S; *759S; c.2276G>C, p.Ter759Ser (NM_001282543.2); c.980G>C, p.Ter327Ser (NM_001282545.2); c.923G>C, p.Ter308Ser (NM_001282548.2); and 2 more.
Identifiers: ClinVar variation 628819 (VCV000628819.16), dbSNP rs776958611, ClinGen allele CA350449604.